The following is an entry in ClinVar:

ClinVar aggregate classification (germline): Pathogenic. Review status: criteria provided, single submitter (1 of 4 stars). 2 submissions from 2 submitters: Pathogenic (1). 1 of the submissions does not count toward it. Last evaluated 2017-12-13.

Conditions:
Intellectual developmental disorder, autosomal dominant 46. Also called: MENTAL RETARDATION, AUTOSOMAL DOMINANT 46; Intellectual disability, autosomal dominant 46. Identifiers: MedGen C4539851, MONDO:0030911, OMIM 617601.

Submissions (2):

Labcorp Genetics (formerly Invitae), Labcorp
Classification: Pathogenic. Last evaluated: 2017-12-13. Review status: criteria provided, single submitter. Criteria: Invitae Variant Classification Sherloc (09022015). Collection method: clinical testing. Allele origin: germline.
Comment: For these reasons, this variant has been classified as Pathogenic. Experimental studies have shown that this missense change resulted in slowed activation kinetics with no effect on deactivation or channel expression (PMID: 28669405). This variant has been reported to be de novo in an individual affected with epileptic encephalopathy (PMID: 28669405). ClinVar contains an entry for this variant (Variation ID: 431387). This variant is not present in population databases (ExAC no frequency). This sequence change replaces serine with isoleucine at codon 448 of the KCNQ5 protein (p.Ser448Ile). The serine residue is moderately conserved and there is a large physicochemical difference between serine and isoleucine.

OMIM
Classification: Pathogenic for INTELLECTUAL DEVELOPMENTAL DISORDER, AUTOSOMAL DOMINANT 46. Last evaluated: 2022-04-26. Review status: no assertion criteria provided. Collection method: literature only. Allele origin: germline. Not counted in ClinVar's aggregate classification.

Literature cited by the submitters: PubMed 28669405 (cited by Labcorp Genetics (formerly Invitae), Labcorp and OMIM).

NM_019842.4(KCNQ5):c.1286G>T (p.Ser429Ile)

Gene: KCNQ5 (potassium voltage-gated channel subfamily Q member 5; plus strand). Cytogenetic location: 6q13.
Variant type: single nucleotide variant.
Coding change: c.1286G>T on transcript NM_019842.4 (MANE Select); coding-DNA position 1286, G replaced by T.
Protein change: p.Ser429Ile; replaces serine 429 with isoleucine.
Molecular consequence: missense variant. On other transcripts: intron variant (1).
Genome position (GRCh38, 1-based): chr6:73,133,459, G>T. VCF-style: chr6-73133459-G-T. GRCh37 (hg19) VCF-style: chr6-73843182-G-T.
Other names: c.1259G>T, p.Ser420Ile (NM_001160130.2); c.1316G>T, p.Ser439Ile (NM_001160132.2); c.1343G>T, p.Ser448Ile (NM_001160133.2); c.1247+8947G>T (NM_001160134.2); short protein forms S448I, S429I, S420I, S439I.
Identifiers: ClinVar variation 431387 (VCV000431387.10), dbSNP rs1135401957, ClinGen allele CA364828121.